The following is an entry in ClinVar:

ClinVar aggregate classification (germline): Benign/Likely benign. Review status: criteria provided, multiple submitters, no conflicts (2 of 4 stars). 3 submissions from 3 submitters: Benign (1); Likely benign (2). Last evaluated 2025-03-27.

Conditions:
Peutz-Jeghers syndrome (PJS). Also called: Peutz-Jeghers polyposis; Periorificial lentiginosis syndrome; POLYPOSIS, HAMARTOMATOUS INTESTINAL; POLYPS-AND-SPOTS SYNDROME. Identifiers: Orphanet 2869, MedGen C0031269, MeSH D010580, MONDO:0008280, OMIM 175200.
Hereditary cancer-predisposing syndrome. Also called: Hereditary Cancer Syndrome; Neoplastic Syndromes, Hereditary; Hereditary neoplastic syndrome; Tumor predisposition. Identifiers: Orphanet 140162, MedGen C0027672, MeSH D009386, MONDO:0015356.

Submissions (3):

Myriad Genetics, Inc.
Classification: Benign for Peutz-Jeghers syndrome. Last evaluated: 2025-03-27. Review status: criteria provided, single submitter. Criteria: Myriad Autosomal Dominant, Autosomal Recessive and X-Linked Classification Criteria (2023). Collection method: clinical testing. Allele origin: unknown.
Comment: This variant is considered benign. This variant is a silent/synonymous amino acid change and it is not expected to impact splicing.

Labcorp Genetics (formerly Invitae), Labcorp
Classification: Likely benign for Peutz-Jeghers syndrome. Last evaluated: 2023-11-30. Review status: criteria provided, single submitter. Criteria: Invitae Variant Classification Sherloc (09022015). Collection method: clinical testing. Allele origin: germline.

Ambry Genetics
Classification: Likely benign for Hereditary cancer-predisposing syndrome. Last evaluated: 2018-09-13. Review status: criteria provided, single submitter. Criteria: Ambry Variant Classification Scheme 2023. Collection method: clinical testing. Allele origin: germline.

NM_000455.5(STK11):c.855G>A (p.Leu285=)

Gene: STK11 (serine/threonine kinase 11; plus strand). Cytogenetic location: 19p13.3.
Variant type: single nucleotide variant.
Coding change: c.855G>A on transcript NM_000455.5 (MANE Select); coding-DNA position 855, G replaced by A.
Protein change: p.Leu285=; no amino-acid change (leucine 285 retained).
Molecular consequence: synonymous variant.
Genome position (GRCh38, 1-based): chr19:1,221,333, G>A. VCF-style: chr19-1221333-G-A. GRCh37 (hg19) VCF-style: chr19-1221332-G-A.
Identifiers: ClinVar variation 822560 (VCV000822560.10), dbSNP rs1599927757, ClinGen allele CA504707344.